The following is an entry in ClinVar:

NM_001754.5(RUNX1):c.23A>G (p.Glu8Gly)

Gene: RUNX1 (RUNX family transcription factor 1; minus strand). Cytogenetic location: 21q22.12.
Variant type: single nucleotide variant.
Coding change: c.23A>G on transcript NM_001754.5 (MANE Select); coding-DNA position 23, A replaced by G.
Protein change: p.Glu8Gly; replaces glutamic acid 8 with glycine.
Molecular consequence: missense variant.
Genome position (GRCh38, 1-based): chr21:35,048,877, T>C on the plus strand (A>G on the coding strand, the complement: RUNX1 is on the minus strand). VCF-style: chr21-35048877-T-C. GRCh37 (hg19) VCF-style: chr21-36421174-T-C.
Other names: NM_001754.5(RUNX1):c.23A>G; p.Glu8Gly; short protein forms E8G.
Identifiers: ClinVar variation 934336 (VCV000934336.10), dbSNP rs2059419426, ClinGen allele CA410208264.
Genomic context (GRCh38, chr21:35,048,877, plus strand): 5'-TATTACAAGACCAGCATGTACTCACCTCTCATGAAGCACTGTGGGTACGAAGGAAATGAC[T>C]CAAATATGCTGTCTGAAGCCATCGCTTCCTCCTGAAAATGCACCCTCTTCTGAAGGCGGG-3'
Protein context (NP_001745.2, residues 1-18): MASDSIF[Glu8Gly]SFPSYPQCFM

ClinVar aggregate classification (germline): Uncertain significance. Review status: reviewed by expert panel (3 of 4 stars). 2 submissions from 2 submitters: Uncertain significance (1). 1 of the submissions does not count toward it. Last evaluated 2024-10-29.

Conditions:
Hereditary thrombocytopenia and hematologic cancer predisposition syndrome. Identifiers: Orphanet 71290, MedGen CN281654, MONDO:0011071.
Hereditary thrombocytopenia and hematological cancer predisposition syndrome associated with RUNX1. Also called: PLATELET DISORDER, ASPIRIN-LIKE; Familial Platelet Disorder with Propensity to Acute Myelogenous Leukemia; Familial thrombocytopenia with propensity to acute myelogenous leukemia; RUNX1 Familial Platelet Disorder with Associated Myeloid Malignancies. Identifiers: Orphanet 71290, MedGen C1832388, MeSH C563324, MONDO:0100083, OMIM 601399.

Allele frequency attached by ClinVar (database versions not stated): gnomAD exomes below 0.00001.
gnomAD v4.1: 1 of 1,613,958 alleles (0.000062%); highest among the groups gnomAD compares: Non-Finnish European, 0.000085%; no homozygotes.

Submissions (2):

ClinGen Myeloid Malignancy Variant Curation Expert Panel
Classification: Uncertain significance for Hereditary thrombocytopenia and hematologic cancer predisposition syndrome. Last evaluated: 2024-10-29. Review status: reviewed by expert panel. Criteria: ClinGen MyeloMalig ACMG Specifications v2. Collection method: curation. Allele origin: germline. Inheritance: Autosomal dominant inheritance.
Comment: NM_001754.5(RUNX1):c.23A>G (p.Glu8Gly) is a missense variant which has a REVEL score < 0.50 (0.372) and a SpliceAI score ≤ 0.20 (0.01) (BP4). This variant is completely absent from all population databases with at least 20x coverage for RUNX1 (PM2_Supporting). In summary, the clinical significance of this variant is uncertain. ACMG/AMP criteria applied, as specified by the Myeloid Malignancy Variant Curation Expert Panel for RUNX1: BP4, PM2_supporting.

Labcorp Genetics (formerly Invitae), Labcorp
Classification: Uncertain significance for Hereditary thrombocytopenia and hematological cancer predisposition syndrome associated with RUNX1. Last evaluated: 2022-02-17. Review status: criteria provided, single submitter. Criteria: Invitae Variant Classification Sherloc (09022015). Collection method: clinical testing. Allele origin: germline. Not counted in ClinVar's aggregate classification.
Comment: This sequence change replaces glutamic acid, which is acidic and polar, with glycine, which is neutral and non-polar, at codon 8 of the RUNX1 protein (p.Glu8Gly). This variant is not present in population databases (gnomAD no frequency). This variant has not been reported in the literature in individuals affected with RUNX1-related conditions. ClinVar contains an entry for this variant (Variation ID: 934336). Algorithms developed to predict the effect of missense changes on protein structure and function (SIFT, PolyPhen-2, Align-GVGD) all suggest that this variant is likely to be tolerated. In summary, the available evidence is currently insufficient to determine the role of this variant in disease. Therefore, it has been classified as a Variant of Uncertain Significance.